The following is an entry in ClinVar:

NM_153252.5(BRWD3):c.1738G>A (p.Ala580Thr)

Gene: BRWD3 (bromodomain and WD repeat domain containing 3; minus strand). Cytogenetic location: Xq21.1.
Variant type: single nucleotide variant.
Coding change: c.1738G>A on transcript NM_153252.5 (MANE Select); coding-DNA position 1738, G replaced by A.
Protein change: p.Ala580Thr; replaces alanine 580 with threonine.
Molecular consequence: missense variant.
Genome position (GRCh38, 1-based): chrX:80,722,700, C>T on the plus strand (G>A on the coding strand, the complement: BRWD3 is on the minus strand). VCF-style: chrX-80722700-C-T. GRCh37 (hg19) VCF-style: chrX-79978199-C-T.
Other names: short protein forms A580T.
Identifiers: ClinVar variation 1416195 (VCV001416195.6), dbSNP rs2147754175, ClinGen allele CA413634466.

ClinVar aggregate classification (germline): Uncertain significance (1 of 4 stars; one submission).

Submission:

Labcorp Genetics (formerly Invitae), Labcorp
Classification: Uncertain significance. Last evaluated: 2023-05-08. Review status: criteria provided, single submitter. Criteria: Invitae Variant Classification Sherloc (09022015). Collection method: clinical testing. Allele origin: germline.
Comment: This variant is not present in population databases (gnomAD no frequency). In summary, the available evidence is currently insufficient to determine the role of this variant in disease. Therefore, it has been classified as a Variant of Uncertain Significance. Advanced modeling of protein sequence and biophysical properties (such as structural, functional, and spatial information, amino acid conservation, physicochemical variation, residue mobility, and thermodynamic stability) performed at Invitae indicates that this missense variant is expected to disrupt BRWD3 protein function. ClinVar contains an entry for this variant (Variation ID: 1416195). This variant has not been reported in the literature in individuals affected with BRWD3-related conditions. This sequence change replaces alanine, which is neutral and non-polar, with threonine, which is neutral and polar, at codon 580 of the BRWD3 protein (p.Ala580Thr).